The following is an entry in ClinVar:

ClinVar aggregate classification (germline): Uncertain significance. Review status: criteria provided, multiple submitters, no conflicts (2 of 4 stars). 2 submissions from 2 submitters: Uncertain significance (2). Last evaluated 2025-08-27.

Conditions:
Neuronopathy, distal hereditary motor, autosomal recessive 4. Also called: NEUROPATHY, DISTAL HEREDITARY MOTOR, AUTOSOMAL RECESSIVE 4; Autosomal recessive lower motor neuron disease with childhood onset. Identifiers: Orphanet 206580, MedGen C1970211, MONDO:0012608, OMIM 611067.
Charcot-Marie-Tooth disease recessive intermediate C. Also called: CHARCOT-MARIE-TOOTH NEUROPATHY, RECESSIVE INTERMEDIATE C. Identifiers: Orphanet 369867, MedGen C3809309, MONDO:0014154, OMIM 615376.
Inborn genetic diseases. Identifiers: MedGen C0950123, MeSH D030342.

Allele frequency attached by ClinVar (database versions not stated): 1000 Genomes Project 0.00020; 1000 Genomes Project 30x 0.00031.
gnomAD v4.1: 13 of 1,562,632 alleles (0.00083%); highest among the groups gnomAD compares: South Asian, 0.014%; no homozygotes.

Submissions (2):

Ambry Genetics
Classification: Uncertain significance for Inborn genetic diseases. Last evaluated: 2025-08-27. Review status: criteria provided, single submitter. Criteria: Ambry Variant Classification Scheme 2023. Collection method: clinical testing. Allele origin: germline.

Labcorp Genetics (formerly Invitae), Labcorp
Classification: Uncertain significance for Neuronopathy, distal hereditary motor, autosomal recessive 4; Charcot-Marie-Tooth disease recessive intermediate C. Last evaluated: 2018-11-27. Review status: criteria provided, single submitter. Criteria: Invitae Variant Classification Sherloc (09022015). Collection method: clinical testing. Allele origin: germline.
Comment: This variant is present in population databases (rs376237905, ExAC 0.03%). This variant has not been reported in the literature in individuals with PLEKHG5-related conditions. Algorithms developed to predict the effect of missense changes on protein structure and function (SIFT, PolyPhen-2, Align-GVGD) all suggest that this variant is likely to be tolerated, but these predictions have not been confirmed by published functional studies and their clinical significance is uncertain. In summary, the available evidence is currently insufficient to determine the role of this variant in disease. Therefore, it has been classified as a Variant of Uncertain Significance. This sequence change replaces arginine with leucine at codon 930 of the PLEKHG5 protein (p.Arg930Leu). The arginine residue is weakly conserved and there is a moderate physicochemical difference between arginine and leucine.

NM_020631.6(PLEKHG5):c.2789G>T (p.Arg930Leu)

Gene: PLEKHG5 (pleckstrin homology and RhoGEF domain containing G5; minus strand). Cytogenetic location: 1p36.31.
Variant type: single nucleotide variant.
Coding change: c.2789G>T on transcript NM_020631.6 (MANE Select); coding-DNA position 2789, G replaced by T.
Protein change: p.Arg930Leu; replaces arginine 930 with leucine.
Molecular consequence: missense variant. On other transcripts: intron variant (1).
Genome position (GRCh38, 1-based): chr1:6,468,047, C>A on the plus strand (G>T on the coding strand, the complement: PLEKHG5 is on the minus strand). VCF-style: chr1-6468047-C-A. GRCh37 (hg19) VCF-style: chr1-6528107-C-A.
Other names: c.2900G>T, p.Arg967Leu (NM_001042663.3, NM_001265592.2); c.2789G>T, p.Arg930Leu (NM_001042664.2, NM_001042665.2, NM_198681.4); c.2996G>T, p.Arg999Leu (NM_001265593.2); c.2737+52G>T (NM_001265594.3); short protein forms R930L, R999L, R967L.
Identifiers: ClinVar variation 648797 (VCV000648797.10), dbSNP rs376237905, ClinGen allele CA561091.